The following is an entry in ClinVar:

ClinVar aggregate classification (germline): Uncertain significance (1 of 4 stars; one submission).

Conditions:
Hereditary pheochromocytoma and paraganglioma. Also called: Hereditary paragangliomas and pheochromocytomas; Hereditary Paraganglioma-Pheochromocytoma Syndromes; Hereditary pheochromocytoma-paraganglioma. Identifiers: Orphanet 29072, MedGen C4274332, MONDO:0017366.

gnomAD v4.1: 3 of 1,610,720 alleles (0.00019%); highest among the groups gnomAD compares: Non-Finnish European, 0.00025%; no homozygotes.

Submission:

Labcorp Genetics (formerly Invitae), Labcorp
Classification: Uncertain significance for Hereditary pheochromocytoma and paraganglioma. Last evaluated: 2024-12-16. Review status: criteria provided, single submitter. Criteria: Invitae Variant Classification Sherloc (09022015). Collection method: clinical testing. Allele origin: germline.
Comment: This sequence change replaces tryptophan, which is neutral and slightly polar, with arginine, which is basic and polar, at codon 121 of the SDHAF2 protein (p.Trp121Arg). This variant is present in population databases (no rsID available, gnomAD 0.0009%). This variant has not been reported in the literature in individuals affected with SDHAF2-related conditions. An algorithm developed to predict the effect of missense changes on protein structure and function (PolyPhen-2) suggests that this variant is likely to be disruptive. In summary, the available evidence is currently insufficient to determine the role of this variant in disease. Therefore, it has been classified as a Variant of Uncertain Significance.

NM_017841.4(SDHAF2):c.361T>C (p.Trp121Arg)

Gene: SDHAF2 (succinate dehydrogenase complex assembly factor 2; plus strand). Cytogenetic location: 11q12.2.
Variant type: single nucleotide variant.
Coding change: c.361T>C on transcript NM_017841.4 (MANE Select); coding-DNA position 361, T replaced by C.
Protein change: p.Trp121Arg; replaces tryptophan 121 with arginine.
Molecular consequence: missense variant.
Genome position (GRCh38, 1-based): chr11:61,438,104, T>C. VCF-style: chr11-61438104-T-C. GRCh37 (hg19) VCF-style: chr11-61205576-T-C.
Other names: short protein forms W121R.
Identifiers: ClinVar variation 3725740 (VCV003725740.2).
Genomic context (GRCh38, chr11:61,438,104, plus strand): 5'-CAGCTGAACCTCTATGACCGCCTGATTAACGAGCCTAGTAATGACTGGGATATTTACTAC[T>C]GGGCCACAGGTACTGGGTATGATAAGCAGCATAATGTGAAAATAGGACAGTTTAGGCTGA-3'
Protein context (NP_060311.1, residues 111-131): EPSNDWDIYY[Trp121Arg]ATEAKPAPEI